The following is an entry in ClinVar:

ClinVar aggregate classification (germline): Uncertain significance (1 of 4 stars; one submission).

Allele frequency attached by ClinVar (database versions not stated): gnomAD exomes below 0.00001.
gnomAD v4.1: 2 of 1,613,076 alleles (0.00012%); highest among the groups gnomAD compares: Non-Finnish European, 0.00017%; no homozygotes.

Submission:

Ambry Genetics
Classification: Uncertain significance. Last evaluated: 2023-07-29. Review status: criteria provided, single submitter. Criteria: Ambry Variant Classification Scheme 2023. Collection method: clinical testing. Allele origin: germline.
Comment: The p.S27P variant (also known as c.79T>C), located in coding exon 1 of the ALPK2 gene, results from a T to C substitution at nucleotide position 79. The serine at codon 27 is replaced by proline, an amino acid with similar properties. This amino acid position is conserved. In addition, this alteration is predicted to be tolerated by in silico analysis. Since supporting evidence is limited at this time, the clinical significance of this alteration remains unclear.

NM_052947.4(ALPK2):c.79T>C (p.Ser27Pro)

Gene: ALPK2 (alpha kinase 2; minus strand). Cytogenetic location: 18q21.32.
Variant type: single nucleotide variant.
Coding change: c.79T>C on transcript NM_052947.4 (MANE Select); coding-DNA position 79, T replaced by C.
Protein change: p.Ser27Pro; replaces serine 27 with proline.
Molecular consequence: missense variant.
Genome position (GRCh38, 1-based): chr18:58,611,719, A>G on the plus strand (T>C on the coding strand, the complement: ALPK2 is on the minus strand). VCF-style: chr18-58611719-A-G. GRCh37 (hg19) VCF-style: chr18-56278951-A-G.
Other names: short protein forms S27P.
Identifiers: ClinVar variation 2624504 (VCV002624504.2), dbSNP rs1323727410, ClinGen allele CA402557958.